The following is an entry in ClinVar:

NM_000489.6(ATRX):c.2604G>C (p.Leu868Phe)

Gene: ATRX (ATRX chromatin remodeler; minus strand). Cytogenetic location: Xq21.1.
Variant type: single nucleotide variant.
Coding change: c.2604G>C on transcript NM_000489.6 (MANE Select); coding-DNA position 2604, G replaced by C.
Protein change: p.Leu868Phe; replaces leucine 868 with phenylalanine.
Molecular consequence: missense variant.
Genome position (GRCh38, 1-based): chrX:77,682,652, C>G on the plus strand (G>C on the coding strand, the complement: ATRX is on the minus strand). VCF-style: chrX-77682652-C-G. GRCh37 (hg19) VCF-style: chrX-76938144-C-G.
Other names: c.2490G>C, p.Leu830Phe (NM_138270.5); short protein forms L830F, L868F.
Identifiers: ClinVar variation 1515788 (VCV001515788.8), dbSNP rs781808505, ClinGen allele CA413711485.
Genomic context (GRCh38, chrX:77,682,652, plus strand): 5'-GAAAGTCTCTCTCTCTTGTTTTCTTTCAGCATCATCAGATGATCCTTCTTGTGAGGTCTT[C>G]AAATTTTTGTGCCCTTGATTATCCATTCCTTTTTTGCTGTGTTTCTCATCTTCAGAAGAG-3'
Protein context (NP_000480.3, residues 858-878): KGMDNQGHKN[Leu868Phe]KTSQEGSSDD

ClinVar aggregate classification (germline): Uncertain significance (1 of 4 stars; one submission).

Conditions:
Alpha thalassemia-X-linked intellectual disability syndrome (ATRX). Also called: X-linked alpha-thalassemia-mental retardation syndrome; ALPHA-THALASSEMIA/IMPAIRED INTELLECTUAL DEVELOPMENT SYNDROME, X-LINKED; ALPHA-THALASSEMIA/MENTAL RETARDATION SYNDROME, X-LINKED; ATR, NONDELETION TYPE; ATR-X syndrome; Alpha thalassemia mental retardation syndrome, nondeletion type, X-linked. Identifiers: Orphanet 847, MedGen C1845055, MONDO:0010519, OMIM 301040.

Submission:

Labcorp Genetics (formerly Invitae), Labcorp
Classification: Uncertain significance for Alpha thalassemia-X-linked intellectual disability syndrome. Last evaluated: 2021-03-25. Review status: criteria provided, single submitter. Criteria: Invitae Variant Classification Sherloc (09022015). Collection method: clinical testing. Allele origin: germline.
Comment: In summary, the available evidence is currently insufficient to determine the role of this variant in disease. Therefore, it has been classified as a Variant of Uncertain Significance. Advanced modeling of protein sequence and biophysical properties (such as structural, functional, and spatial information, amino acid conservation, physicochemical variation, residue mobility, and thermodynamic stability) performed at Invitae indicates that this missense variant is not expected to disrupt ATRX protein function. This variant has not been reported in the literature in individuals with ATRX-related conditions. This variant is not present in population databases (ExAC no frequency). This sequence change replaces leucine with phenylalanine at codon 868 of the ATRX protein (p.Leu868Phe). The leucine residue is moderately conserved and there is a small physicochemical difference between leucine and phenylalanine.